The following is an entry in ClinVar:

ClinVar aggregate classification (germline): Conflicting classifications of pathogenicity. Review status: criteria provided, conflicting classifications (1 of 4 stars). 2 submissions from 2 submitters: Uncertain significance (1); Benign (1). Last evaluated 2026-09-01.

Submissions (2):

CeGaT Center for Human Genetics Tuebingen
Classification: Uncertain significance. Last evaluated: 2026-09-01. Review status: criteria provided, single submitter. Criteria: CeGaT Center For Human Genetics Tuebingen Variant Classification Criteria Version 2. Collection method: clinical testing. Allele origin: germline. Affected: yes. Observed: 1 variant allele.
Comment: DNAJC12: PM2, BP4

Labcorp Genetics (formerly Invitae), Labcorp
Classification: Benign. Last evaluated: 2025-06-25. Review status: criteria provided, single submitter. Criteria: Invitae Variant Classification Sherloc (09022015). Collection method: clinical testing. Allele origin: germline.

NM_021800.3(DNAJC12):c.79-8dup

Gene: DNAJC12 (DnaJ heat shock protein family (Hsp40) member C12; minus strand). Cytogenetic location: 10q21.3.
Variant type: Duplication.
Coding change: c.79-8dup on transcript NM_021800.3 (MANE Select); 8 bases into the intron before coding-DNA position 79, one base duplicated (T; older notation c.79-8dupT).
Molecular consequence: intron variant.
Genome position (GRCh38, 1-based): chr10:67,823,400, A duplicated on the plus strand (T on the coding strand, the reverse complement: DNAJC12 is on the minus strand); the first of 5 consecutive A bases (chr10:67,823,400-67,823,404); duplicating any one gives the same sequence. VCF-style (leftmost placement, unchanged base first): chr10-67823399-C-CA. GRCh37 (hg19) VCF-style: chr10-69583157-C-CA.
Other names: c.79-8dup (NM_201262.2).
Identifiers: ClinVar variation 1599935 (VCV001599935.9), dbSNP rs776469372, ClinGen allele CA5520924.
Genomic context (GRCh38, chr10:67,823,399, plus strand): 5'-GTCTGGGTGACATTCCAGAGCTCTGACTTTAAATTCTGCCAGGATTTGTTCAACCTGAAA[C>CA]AAAAATCAGTGTTTAAAATAAAGAGTCATGCCAGGCGCAGTGACTCACGCCTATAATCTC-3'